The following is an entry in ClinVar:

ClinVar aggregate classification (germline): Conflicting classifications of pathogenicity. Review status: criteria provided, conflicting classifications (1 of 4 stars). 3 submissions from 3 submitters: Uncertain significance (1); Likely benign (2). Last evaluated 2026-09-14.

Conditions:
Epidermolysis bullosa simplex 5B, with muscular dystrophy (EBS5B). Also called: Epidermolysis bullosa simplex with muscular dystrophy; EPIDERMOLYSIS BULLOSA SIMPLEX AND LIMB-GIRDLE MUSCULAR DYSTROPHY. Identifiers: Orphanet 257, MedGen C2931072, MONDO:0009181, OMIM 226670.
Autosomal recessive limb-girdle muscular dystrophy type 2Q (LGMDR17). Also called: MUSCULAR DYSTROPHY, LIMB-GIRDLE, AUTOSOMAL RECESSIVE 17. Identifiers: Orphanet 254361, MedGen C3150989, MONDO:0013390, OMIM 613723.
Epidermolysis bullosa simplex 5C, with pyloric atresia (EBS5C). Also called: PLEC-Related Epidermolysis Bullosa with Pyloric Atresia; PLEC1-Related Epidermolysis Bullosa with Pyloric Atresia; Epidermolysis bullosa simplex with pyloric atresia. Identifiers: Orphanet 158684, MedGen C2677349, MONDO:0012807, OMIM 612138.
Epidermolysis bullosa simplex, Ogna type (EBS5A). Also called: Pidermolysis bullosa simplex 5A, Ogna type; EPIDERMOLYSIS BULLOSA SIMPLEX 5A, OGNA TYPE. Identifiers: Orphanet 79401, MedGen C0432317, MONDO:0007555, OMIM 131950.
Epidermolysis bullosa simplex with nail dystrophy (EBS5D). Identifiers: MedGen C4225309, MONDO:0014661, OMIM 616487.
PLEC-related disorder. Also called: PLEC-related condition; PLEC-related disorders.

Allele frequency attached by ClinVar (database versions not stated): gnomAD exomes 0.00001; gnomAD 0.00005; ExAC 0.00006; TOPMed 0.00006; ESP Exome Variant Server 0.00008; 1000 Genomes Project 30x 0.00016.

Submissions (3):

PreventionGenetics, part of Exact Sciences
Classification: Likely benign for PLEC-related condition. Last evaluated: 2026-09-14. Review status: criteria provided, single submitter. Criteria: ACMG Guidelines, 2015. Collection method: clinical testing. Allele origin: germline.
Comment: This variant is classified as likely benign based on ACMG/AMP sequence variant interpretation guidelines (Richards et al. 2015 PMID: 25741868, with internal and published modifications).

Labcorp Genetics (formerly Invitae), Labcorp
Classification: Likely benign for Autosomal recessive limb-girdle muscular dystrophy type 2Q; Epidermolysis bullosa simplex, Ogna type; Epidermolysis bullosa simplex with nail dystrophy; Epidermolysis bullosa simplex 5C, with pyloric atresia; Epidermolysis bullosa simplex 5B, with muscular dystrophy. Last evaluated: 2025-12-14. Review status: criteria provided, single submitter. Criteria: Invitae Variant Classification Sherloc (09022015). Collection method: clinical testing. Allele origin: germline.

Eurofins Ntd Llc (ga)
Classification: Uncertain significance. Last evaluated: 2018-03-15. Review status: criteria provided, single submitter. Criteria: EGL ClinVar v180209 classification definitions. Collection method: clinical testing. Allele origin: germline. Observed: 1 variant allele, 1 heterozygote.

NM_201384.3(PLEC):c.1429C>T (p.Leu477=)

Gene: PLEC (plectin; minus strand). Cytogenetic location: 8q24.3.
Variant type: single nucleotide variant.
Coding change: c.1429C>T on transcript NM_201384.3 (MANE Select); coding-DNA position 1429, C replaced by T.
Protein change: p.Leu477=; no amino-acid change (leucine 477 retained).
Molecular consequence: synonymous variant.
Genome position (GRCh38, 1-based): chr8:143,933,101, G>A on the plus strand (C>T on the coding strand, the complement: PLEC is on the minus strand). VCF-style: chr8-143933101-G-A. GRCh37 (hg19) VCF-style: chr8-145007269-G-A.
Other names: c.1510C>T (NM_000445.4); c.1510C>T, p.Leu504= (NM_000445.5); c.1387C>T, p.Leu463= (NM_201378.4); c.1363C>T, p.Leu455= (NM_201379.3); c.1840C>T, p.Leu614= (NM_201380.4); c.1333C>T, p.Leu445= (NM_201381.3); c.1429C>T, p.Leu477= (NM_201382.4); c.1441C>T, p.Leu481= (NM_201383.3).
Identifiers: ClinVar variation 596393 (VCV000596393.9), dbSNP rs150969631, ClinGen allele CA4927957.
Genomic context (GRCh38, chr8:143,933,101, plus strand): 5'-CCACGCCTGCCTTCAGCCGTAGGTTGTACTCGGTGCGGATGGCTACCAGGCGCTCGTGCA[G>A]ACGGTACACCCTGGGGCAGCAGAGGACTCAGGTAGGTGTTGGCGGGCCTGGGGCCGTGTG-3'
Protein context (NP_958786.1, residues 467-487): GEQMYRRVYR[Leu477=]HERLVAIRTE